The following is an entry in ClinVar:

NM_001267550.2(TTN):c.102994A>G (p.Thr34332Ala)

Genes: TTN (titin; minus strand), TTN-AS1 (TTN antisense RNA 1; plus strand). Cytogenetic location: 2q31.2.
Variant type: single nucleotide variant.
Coding change: c.102994A>G on transcript NM_001267550.2 (MANE Select); coding-DNA position 102994, A replaced by G.
Protein change: p.Thr34332Ala; replaces threonine 34332 with alanine.
Molecular consequence: missense variant.
Genome position (GRCh38, 1-based): chr2:178,533,621, T>C on the plus strand (A>G on the coding strand, the complement: TTN is on the minus strand). VCF-style: chr2-178533621-T-C. GRCh37 (hg19) VCF-style: chr2-179398348-T-C.
Other names: c.98071A>G, p.Thr32691Ala (NM_001256850.1); c.75799A>G, p.Thr25267Ala (NM_003319.4); c.95290A>G, p.Thr31764Ala (NM_133378.4); c.76174A>G, p.Thr25392Ala (NM_133432.3); c.76375A>G, p.Thr25459Ala (NM_133437.4); short protein forms T25267A, T25459A, T34332A, T25392A, T32691A, T31764A.
Identifiers: ClinVar variation 2197661 (VCV002197661.4), dbSNP rs1450806366, ClinGen allele CA349415569.
Genomic context (GRCh38, chr2:178,533,621, plus strand): 5'-GGGTTACTGTCAGCTTTGCTTTACAGCTGTCTTCACCATATTTGTTCCTTGCCACAACAG[T>C]ATATTCAGCGTCATCATCTGTAGTGACACTGTTGATTGTTAATTGGTAAAGACCCTTGTC-3'
Protein context (NP_001254479.2, residues 34322-34342): SVTTDDDAEY[Thr34332Ala]VVARNKYGED

ClinVar aggregate classification (germline): Uncertain significance (1 of 4 stars; one submission).

Conditions:
Dilated cardiomyopathy 1G (CMD1G). Identifiers: Orphanet 154, MedGen C1858763, MONDO:0011400, OMIM 604145.
Autosomal recessive limb-girdle muscular dystrophy type 2J (LGMDR10). Also called: Limb-girdle muscular dystrophy, type 2J; MUSCULAR DYSTROPHY, LIMB-GIRDLE, AUTOSOMAL RECESSIVE 10. Identifiers: Orphanet 140922, MedGen C1837342, MONDO:0012127, OMIM 608807.

Allele frequency attached by ClinVar (database versions not stated): gnomAD 0.00001; TOPMed 0.00001.
gnomAD v4.1: 5 of 1,613,870 alleles (0.00031%); highest among the groups gnomAD compares: Admixed American, 0.0017%; no homozygotes.

Submission:

Labcorp Genetics (formerly Invitae), Labcorp
Classification: Uncertain significance for Dilated cardiomyopathy 1G; Autosomal recessive limb-girdle muscular dystrophy type 2J. Last evaluated: 2023-01-14. Review status: criteria provided, single submitter. Criteria: Invitae Variant Classification Sherloc (09022015). Collection method: clinical testing. Allele origin: germline.
Comment: This sequence change replaces threonine, which is neutral and polar, with alanine, which is neutral and non-polar, at codon 34332 of the TTN protein (p.Thr34332Ala). The frequency data for this variant in the population databases is considered unreliable, as metrics indicate poor data quality at this position in the gnomAD database. In summary, the available evidence is currently insufficient to determine the role of this variant in disease. Therefore, it has been classified as a Variant of Uncertain Significance. This variant is located in the M band of TTN (PMID: 25589632). Variants in this region may be relevant for neuromuscular disorders, but have not been definitively shown to cause cardiomyopathy (PMID: 23975875). Algorithms developed to predict the effect of missense changes on protein structure and function output the following: SIFT: "Not Available"; PolyPhen-2: "Not Available"; Align-GVGD: "Not Available". The alanine amino acid residue is found in multiple mammalian species, which suggests that this missense change does not adversely affect protein function. This variant has not been reported in the literature in individuals affected with TTN-related conditions.

Literature cited by the submitters: PubMed 25589632; PubMed 23975875.